The following is an entry in ClinVar:

NM_001127178.3(PIGG):c.2672C>A (p.Thr891Lys)

Gene: PIGG (phosphatidylinositol glycan anchor biosynthesis class G (EMM blood group); plus strand). Cytogenetic location: 4p16.3.
Variant type: single nucleotide variant.
Coding change: c.2672C>A on transcript NM_001127178.3 (MANE Select); coding-DNA position 2672, C replaced by A.
Protein change: p.Thr891Lys; replaces threonine 891 with lysine.
Molecular consequence: missense variant. On other transcripts: non-coding transcript variant (10).
Genome position (GRCh38, 1-based): chr4:533,918, C>A. VCF-style: chr4-533918-C-A. GRCh37 (hg19) VCF-style: chr4-527707-C-A.
Other names: c.2405C>A, p.Thr802Lys (NM_001289051.2, NM_001345986.2); c.2273C>A, p.Thr758Lys (NM_001289052.2); c.2381C>A, p.Thr794Lys (NM_001345987.2); c.1643C>A, p.Thr548Lys (NM_001345988.2); c.1139C>A, p.Thr380Lys (NM_001345990.2, NM_001345991.2); c.1574C>A, p.Thr525Lys (NM_001345994.2); c.2648C>A, p.Thr883Lys (NM_017733.5); short protein forms T525K, T758K, T891K, T794K, T380K, T548K, T802K, T883K.
Identifiers: ClinVar variation 1427857 (VCV001427857.8), dbSNP rs761022630, ClinGen allele CA355911275.
Genomic context (GRCh38, chr4:533,918, plus strand): 5'-GCTTCGTGGGCTTAGACACCTACGTGGAAATCCCAGCCGTGCTCCTGACAGCGTTTGGGA[C>A]GTACGCAGGGCCTGTGCTGTGGGCCAGCCACTTAGTGCACTTCCTGAGCTCAGAAACACG-3'
Protein context (NP_001120650.1, residues 881-901): IPAVLLTAFG[Thr891Lys]YAGPVLWASH

ClinVar aggregate classification (germline): Uncertain significance (1 of 4 stars; one submission).

Conditions:
Intellectual disability, autosomal recessive 53 (NEDHSCA). Also called: GLYCOSYLPHOSPHATIDYLINOSITOL BIOSYNTHESIS DEFECT 13; Mental retardation, autosomal recessive 53; NEURODEVELOPMENTAL DISORDER WITH OR WITHOUT HYPOTONIA, SEIZURES, AND CEREBELLAR ATROPHY. Identifiers: Orphanet 488635, MedGen C4310794, MONDO:0014832, OMIM 616917.

Submission:

Labcorp Genetics (formerly Invitae), Labcorp
Classification: Uncertain significance for Intellectual disability, autosomal recessive 53. Last evaluated: 2021-05-16. Review status: criteria provided, single submitter. Criteria: Invitae Variant Classification Sherloc (09022015). Collection method: clinical testing. Allele origin: germline.
Comment: This variant is not present in population databases (ExAC no frequency). In summary, the available evidence is currently insufficient to determine the role of this variant in disease. Therefore, it has been classified as a Variant of Uncertain Significance. Algorithms developed to predict the effect of missense changes on protein structure and function are either unavailable or do not agree on the potential impact of this missense change (SIFT: "Tolerated"; PolyPhen-2: "Probably Damaging"; Align-GVGD: "Class C0"). This variant has not been reported in the literature in individuals with PIGG-related conditions. This sequence change replaces threonine with lysine at codon 891 of the PIGG protein (p.Thr891Lys). The threonine residue is moderately conserved and there is a moderate physicochemical difference between threonine and lysine.